The following is an entry in ClinVar:

NM_015909.4(NBAS):c.3842dup (p.Gln1282fs)

Gene: NBAS (NBAS subunit of NRZ tethering complex; minus strand). Cytogenetic location: 2p24.3.
Variant type: Duplication.
Coding change: c.3842dup on transcript NM_015909.4 (MANE Select); coding-DNA position 3842, one base duplicated (G; older notation c.3842dupG).
Protein change: p.Gln1282fs; shifts the reading frame from glutamine 1282.
Molecular consequence: frameshift variant. On other transcripts: non-coding transcript variant (1).
Genome position (GRCh38, 1-based): chr2:15,356,392, C duplicated on the plus strand (G on the coding strand, the reverse complement: NBAS is on the minus strand); the first of 4 consecutive C bases (chr2:15,356,392-15,356,395); duplicating any one gives the same sequence. VCF-style (leftmost placement, unchanged base first): chr2-15356391-T-TC. GRCh37 (hg19) VCF-style: chr2-15496515-T-TC.
Other names: short protein forms Q1282fs.
Identifiers: ClinVar variation 1441232 (VCV001441232.8), dbSNP rs1176007591, ClinGen allele CA424869355.

ClinVar aggregate classification (germline): Pathogenic/Likely pathogenic. Review status: criteria provided, multiple submitters, no conflicts (2 of 4 stars). 3 submissions from 3 submitters: Pathogenic (1); Likely pathogenic (2). Last evaluated 2024-09-13.

Conditions:
Short stature-optic atrophy-Pelger-Huët anomaly syndrome. Also called: Short stature-optic atrophy-Pelger-HuC+t anomaly syndrome; Short stature, optic nerve atrophy, and Pelger-Huet anomaly. Identifiers: Orphanet 391677, MedGen C3541319, MONDO:0013889, OMIM 614800.
Infantile liver failure syndrome 2 (ILFS2). Identifiers: MedGen C3809651, MONDO:0014659, OMIM 616483.
NBAS-related disorder. Also called: NBAS-related condition.

Submissions (3):

Labcorp Genetics (formerly Invitae), Labcorp
Classification: Pathogenic. Last evaluated: 2024-09-13. Review status: criteria provided, single submitter. Criteria: Invitae Variant Classification Sherloc (09022015). Collection method: clinical testing. Allele origin: germline.
Comment: This sequence change creates a premature translational stop signal (p.Gln1282Thrfs*15) in the NBAS gene. It is expected to result in an absent or disrupted protein product. Loss-of-function variants in NBAS are known to be pathogenic (PMID: 26073778, 26541327, 27789416, 28031453). This variant is present in population databases (no rsID available, gnomAD 0.002%). This variant has not been reported in the literature in individuals affected with NBAS-related conditions. ClinVar contains an entry for this variant (Variation ID: 1441232). For these reasons, this variant has been classified as Pathogenic.

Fulgent Genetics
Classification: Likely pathogenic for Short stature-optic atrophy-Pelger-Huët anomaly syndrome; Infantile liver failure syndrome 2. Last evaluated: 2024-04-08. Review status: criteria provided, single submitter. Criteria: ACMG Guidelines, 2015. Collection method: clinical testing. Allele origin: germline.

Blueprint Genetics
Classification: Likely pathogenic for NBAS-related disorders. Last evaluated: 2021-09-23. Review status: criteria provided, single submitter. Criteria: ACMG Guidelines, 2015. Collection method: clinical testing. Allele origin: germline. Affected: yes. Observed: 3 variant alleles.

Literature cited by the submitters: PubMed 26073778 (cited by Labcorp Genetics (formerly Invitae), Labcorp); PubMed 26541327 (cited by Labcorp Genetics (formerly Invitae), Labcorp); PubMed 27789416 (cited by Labcorp Genetics (formerly Invitae), Labcorp); PubMed 28031453 (cited by Labcorp Genetics (formerly Invitae), Labcorp).